The following is an entry in ClinVar:

ClinVar aggregate classification (germline): Likely benign (1 of 4 stars; one submission).

Allele frequency attached by ClinVar (database versions not stated): gnomAD 0.00005 and 0.00006; TOPMed 0.00005.
gnomAD v4.1: 32 of 396,320 alleles (0.0081%); highest among the groups gnomAD compares: Non-Finnish European, 0.014%; no homozygotes.

Submission:

CeGaT Center for Human Genetics Tuebingen
Classification: Likely benign. Last evaluated: 2026-06-01. Review status: criteria provided, single submitter. Criteria: CeGaT Center For Human Genetics Tuebingen Variant Classification Criteria Version 2. Collection method: clinical testing. Allele origin: germline. Affected: yes. Observed: 2 variant alleles.
Comment: CIC: BP4, BP7

NM_001386298.1(CIC):c.1905A>G (p.Pro635=)

Gene: CIC (capicua transcriptional repressor; plus strand). Cytogenetic location: 19q13.2.
Variant type: single nucleotide variant.
Coding change: c.1905A>G on transcript NM_001386298.1 (MANE Select); coding-DNA position 1905, A replaced by G.
Protein change: p.Pro635=; no amino-acid change (proline 635 retained).
Molecular consequence: synonymous variant.
Genome position (GRCh38, 1-based): chr19:42,273,688, A>G. VCF-style: chr19-42273688-A-G. GRCh37 (hg19) VCF-style: chr19-42777840-A-G.
Other names: c.1905A>G, p.Pro635= (NM_001304815.2, NM_001379480.1, NM_001379482.1 and 1 more transcripts).
Identifiers: ClinVar variation 1694924 (VCV001694924.31), dbSNP rs926431641, ClinGen allele CA308615609.